The following is an entry in ClinVar:

ClinVar aggregate classification (germline): Uncertain significance (0 of 4 stars; one submission).

Conditions:
Platelet-type bleeding disorder 15 (BDPLT15). Also called: MACROTHROMBOCYTOPENIA, AUTOSOMAL DOMINANT, ACTN1-RELATED. Identifiers: Orphanet 140957, MedGen C3554663, MONDO:0014078, OMIM 615193.

Submission:

ISTH-SSC Genomics in Thrombosis and Hemostasis, KU Leuven, Center for Molecular and Vascular Biology
Classification: Uncertain significance for Platelet-type bleeding disorder 15. Review status: no assertion criteria provided. Collection method: research. Allele origin: unknown. Affected: yes.
Comment: Submitted to GoldVariant by Dr Karyn Mégy from NIHR Bioresource - Cambridge University, UK

NM_001130004.2(ACTN1):c.715A>G (p.Met239Val)

Gene: ACTN1 (actinin alpha 1; minus strand). Cytogenetic location: 14q24.1.
Variant type: single nucleotide variant.
Coding change: c.715A>G on transcript NM_001130004.2 (MANE Select); coding-DNA position 715, A replaced by G.
Protein change: p.Met239Val; replaces methionine 239 with valine.
Molecular consequence: missense variant.
Genome position (GRCh38, 1-based): chr14:68,902,524, T>C on the plus strand (A>G on the coding strand, the complement: ACTN1 is on the minus strand). VCF-style: chr14-68902524-T-C. GRCh37 (hg19) VCF-style: chr14-69369241-T-C.
Other names: c.715A>G, p.Met239Val (NM_001102.4, NM_001130005.2); short protein forms M239V.
Identifiers: ClinVar variation 1684470 (VCV001684470.1), dbSNP rs2140240626, ClinGen allele CA390190183.